The following is an entry in ClinVar:

ClinVar aggregate classification (germline): Pathogenic (1 of 4 stars; one submission).

Conditions:
Fanconi anemia (FA). Also called: Fanconi's anemia. Identifiers: Orphanet 84, MedGen C0015625, MeSH D005199, MONDO:0019391.

Submission:

Labcorp Genetics (formerly Invitae), Labcorp
Classification: Pathogenic for Fanconi anemia. Last evaluated: 2022-08-20. Review status: criteria provided, single submitter. Criteria: Invitae Variant Classification Sherloc (09022015). Collection method: clinical testing. Allele origin: germline.
Comment: This sequence change affects an acceptor splice site in intron 41 of the FANCA gene. It is expected to disrupt RNA splicing. Variants that disrupt the donor or acceptor splice site typically lead to a loss of protein function (PMID: 16199547), and loss-of-function variants in FANCA are known to be pathogenic (PMID: 19367192). This variant is not present in population databases (gnomAD no frequency). Disruption of this splice site has been observed in individuals with Fanconi anemia (PMID: 15523645, 28102861). Algorithms developed to predict the effect of sequence changes on RNA splicing suggest that this variant may disrupt the consensus splice site. For these reasons, this variant has been classified as Pathogenic.

Literature cited by the submitters: PubMed 16199547; PubMed 19367192; PubMed 15523645; PubMed 28102861.

NM_000135.4(FANCA):c.4168-1G>A

Genes: FANCA (FA complementation group A; minus strand), ZNF276 (zinc finger protein 276; plus strand). Cytogenetic location: 16q24.3.
Variant type: single nucleotide variant.
Coding change: c.4168-1G>A on transcript NM_000135.4 (MANE Select); the canonical splice acceptor site of the intron before coding-DNA position 4168, G replaced by A.
Molecular consequence: splice acceptor variant. On other transcripts: 3 prime UTR variant (2), non-coding transcript variant (4).
Genome position (GRCh38, 1-based): chr16:89,738,975, C>T on the plus strand (G>A on the coding strand, the complement: FANCA is on the minus strand). VCF-style: chr16-89738975-C-T. GRCh37 (hg19) VCF-style: chr16-89805383-C-T.
Other names: c.*729C>T (NM_001113525.2, NM_152287.4); c.4172-1G>A (NM_001286167.3).
Identifiers: ClinVar variation 2107507 (VCV002107507.4), dbSNP rs2062047006, ClinGen allele CA397483858.
Genomic context (GRCh38, chr16:89,738,975, plus strand): 5'-CCGAGGTATTAACTGCAGCAGAAAAAGACGAGCTTTTGTTATCAGTTCCACGGGGTTGCC[C>T]TAGAGAGAAAACAGGCAAACTCACAGGTTAGAAGACATACAGAAACAGGGCTGGTGTGTC-3'